The following is an entry in ClinVar:

ClinVar aggregate classification (germline): Uncertain significance (1 of 4 stars; one submission).

Conditions:
Rotor syndrome (HBLRR). Also called: HYPERBILIRUBINEMIA, ROTOR TYPE, DIGENIC; HYPERBILIRUBINEMIA, ROTOR TYPE. Identifiers: Orphanet 3111, MedGen C0220991, MONDO:0009379, OMIM 237450.

gnomAD v4.1: 43 of 1,613,134 alleles (0.0027%); highest among the groups gnomAD compares: East Asian, 0.096%; no homozygotes.

Submission:

3billion
Classification: Uncertain significance for Rotor syndrome. Last evaluated: 2025-12-04. Review status: criteria provided, single submitter. Criteria: ACMG Guidelines, 2015. Collection method: clinical testing. Allele origin: germline. Affected: yes.
Comment: The variant is observed at an extremely low frequency in the gnomAD v4.1.0 dataset (total allele frequency: 0.003%). Predicted Consequence/Location: Missense variant. The majority of the known disease-causing variants of this gene are variants expected to result in premature termination of the protein. Damaging effect on gene or gene product predicted by in silico programs is uncertain [REVEL: 0.50 (damaging >=0.6, benign <0.4), 3Cnet: 0.66 (damaging >0.75, benign <0.1)]. Therefore, this variant is classified as VUS according to the recommendation of ACMG/AMP guideline.

NM_006446.5(SLCO1B1):c.250G>T (p.Val84Leu)

Gene: SLCO1B1 (solute carrier organic anion transporter family member 1B1; plus strand). Cytogenetic location: 12p12.1.
Variant type: single nucleotide variant.
Coding change: c.250G>T on transcript NM_006446.5 (MANE Select); coding-DNA position 250, G replaced by T.
Protein change: p.Val84Leu; replaces valine 84 with leucine.
Molecular consequence: missense variant.
Genome position (GRCh38, 1-based): chr12:21,174,600, G>T. VCF-style: chr12-21174600-G-T. GRCh37 (hg19) VCF-style: chr12-21327534-G-T.
Other names: short protein forms V84L.
Identifiers: ClinVar variation 4855261 (VCV004855261.1).
Genomic context (GRCh38, chr12:21,174,600, plus strand): 5'-ACTAAGCTGTATCAACATAATTTTGTTCCCTTTCTAGGAAATTTGCTTGTGATTGTATTT[G>T]TGAGTTACTTTGGATCCAAACTACATAGACCAAAGTTAATTGGAATCGGTTGTTTCATTA-3'
Protein context (NP_006437.3, residues 74-94): EIGNLLVIVF[Val84Leu]SYFGSKLHRP